The following is an entry in ClinVar:

NM_000264.5(PTCH1):c.1282G>T (p.Asp428Tyr)

Gene: PTCH1 (patched 1; minus strand). Cytogenetic location: 9q22.32.
Variant type: single nucleotide variant.
Coding change: c.1282G>T on transcript NM_000264.5 (MANE Select); coding-DNA position 1282, G replaced by T.
Protein change: p.Asp428Tyr; replaces aspartic acid 428 with tyrosine.
Molecular consequence: missense variant. On other transcripts: non-coding transcript variant (1).
Genome position (GRCh38, 1-based): chr9:95,478,120, C>A on the plus strand (G>T on the coding strand, the complement: PTCH1 is on the minus strand). VCF-style: chr9-95478120-C-A. GRCh37 (hg19) VCF-style: chr9-98240402-C-A.
Other names: c.1084G>T, p.Asp362Tyr (NM_001083602.3); c.1279G>T, p.Asp427Tyr (NM_001083603.3); c.829G>T, p.Asp277Tyr (NM_001083604.3, NM_001083605.3, NM_001083606.3 and 1 more transcripts); c.1282G>T, p.Asp428Tyr (NM_001354918.2); short protein forms D428Y, D277Y, D362Y, D427Y.
Identifiers: ClinVar variation 3311124 (VCV003311124.1).

ClinVar aggregate classification (germline): Uncertain significance (1 of 4 stars; one submission).

Conditions:
Hereditary cancer-predisposing syndrome. Also called: Neoplastic Syndromes, Hereditary; Tumor predisposition; Hereditary neoplastic syndrome; Hereditary Cancer Syndrome. Identifiers: Orphanet 140162, MedGen C0027672, MeSH D009386, MONDO:0015356.

Submission:

Ambry Genetics
Classification: Uncertain significance for Hereditary cancer-predisposing syndrome. Last evaluated: 2024-06-06. Review status: criteria provided, single submitter. Criteria: Ambry Variant Classification Scheme 2023. Collection method: clinical testing. Allele origin: germline.
Comment: The p.D428Y variant (also known as c.1282G>T), located in coding exon 9 of the PTCH1 gene, results from a G to T substitution at nucleotide position 1282. The aspartic acid at codon 428 is replaced by tyrosine, an amino acid with highly dissimilar properties. This amino acid position is conserved. In addition, this alteration is predicted to be deleterious by in silico analysis. Based on the available evidence, the clinical significance of this variant remains unclear.